The following is an entry in ClinVar:

NM_000718.4(CACNA1B):c.4491T>C (p.Tyr1497=)

Gene: CACNA1B (calcium voltage-gated channel subunit alpha1 B; plus strand). Cytogenetic location: 9q34.3.
Variant type: single nucleotide variant.
Coding change: c.4491T>C on transcript NM_000718.4 (MANE Select); coding-DNA position 4491, T replaced by C.
Protein change: p.Tyr1497=; no amino-acid change (tyrosine 1497 retained).
Molecular consequence: synonymous variant.
Genome position (GRCh38, 1-based): chr9:138,059,096, T>C. VCF-style: chr9-138059096-T-C. GRCh37 (hg19) VCF-style: chr9-140953548-T-C.
Other names: c.4491T>C, p.Tyr1497= (NM_001243812.2).
Identifiers: ClinVar variation 2057222 (VCV002057222.9), dbSNP rs779026653, ClinGen allele CA5377011.

ClinVar aggregate classification (germline): Likely benign. Review status: criteria provided, multiple submitters, no conflicts (2 of 4 stars). 3 submissions from 3 submitters: Likely benign (3). Last evaluated 2026-01-01.

Allele frequency attached by ClinVar (database versions not stated): gnomAD 0.00001; TOPMed 0.00003; gnomAD exomes 0.00004; ExAC 0.00011.
gnomAD v4.1: 27 of 1,610,798 alleles (0.0017%); highest among the groups gnomAD compares: Admixed American, 0.042%; no homozygotes.

Submissions (3):

CeGaT Center for Human Genetics Tuebingen
Classification: Likely benign. Last evaluated: 2026-01-01. Review status: criteria provided, single submitter. Criteria: CeGaT Center For Human Genetics Tuebingen Variant Classification Criteria Version 2. Collection method: clinical testing. Allele origin: germline. Affected: yes. Observed: 1 variant allele.
Comment: CACNA1B: BP4, BP7

Labcorp Genetics (formerly Invitae), Labcorp
Classification: Likely benign. Last evaluated: 2025-10-28. Review status: criteria provided, single submitter. Criteria: Invitae Variant Classification Sherloc (09022015). Collection method: clinical testing. Allele origin: germline.

Blueprint Genetics
Classification: Likely benign. Last evaluated: 2022-05-04. Review status: criteria provided, single submitter. Criteria: ACMG Guidelines, 2015. Collection method: clinical testing. Allele origin: germline.